The following is an entry in ClinVar:

NM_001958.5(EEF1A2):c.1136T>C (p.Ile379Thr)

Gene: EEF1A2 (eukaryotic translation elongation factor 1 alpha 2; minus strand). Cytogenetic location: 20q13.33.
Variant type: single nucleotide variant.
Coding change: c.1136T>C on transcript NM_001958.5 (MANE Select); coding-DNA position 1136, T replaced by C.
Protein change: p.Ile379Thr; replaces isoleucine 379 with threonine.
Molecular consequence: missense variant.
Genome position (GRCh38, 1-based): chr20:63,489,046, A>G on the plus strand (T>C on the coding strand, the complement: EEF1A2 is on the minus strand). VCF-style: chr20-63489046-A-G. GRCh37 (hg19) VCF-style: chr20-62120399-A-G.
Other names: short protein forms I379T.
Identifiers: ClinVar variation 941751 (VCV000941751.14), dbSNP rs1490454929, ClinGen allele CA409644582.
Genomic context (GRCh38, chr20:63,489,046, plus strand): 5'-GCGTCTCCAGACTTCAGGGACTTGGGGTTGTCCTCCAGCTTCTTGCCAGAGCGCCGGTCA[A>G]TCTTCTCCTTCAGCTCCGCAAACTTGCAGGCGATGTGGGCTGTGTGGCAGTCGATGACCG-3'
Protein context (NP_001949.1, residues 369-389): ACKFAELKEK[Ile379Thr]DRRSGKKLED

ClinVar aggregate classification (germline): Conflicting classifications of pathogenicity. Review status: criteria provided, conflicting classifications (1 of 4 stars). 3 submissions from 3 submitters: Likely pathogenic (1); Uncertain significance (2). Last evaluated 2025-06-21.

Conditions:
Intellectual developmental disorder, autosomal dominant 38. Also called: PSYCHOMOTOR RETARDATION, EPILEPSY, AND LANGUAGE DISABILITY SYNDROME; Intellectual disability, autosomal dominant 38. Identifiers: MedGen C4225343, MONDO:0014617, OMIM 616393.
Developmental and epileptic encephalopathy, 33 (DEE33). Also called: Epileptic encephalopathy, early infantile, 33. Identifiers: Orphanet 442835, MedGen C4225337, MONDO:0014625, OMIM 616409.

Allele frequency attached by ClinVar (database versions not stated): gnomAD exomes below 0.00001; TOPMed below 0.00001; gnomAD 0.00001.
gnomAD v4.1: 4 of 1,612,656 alleles (0.00025%); highest among the groups gnomAD compares: Non-Finnish European, 0.00034%; no homozygotes.

Submissions (3):

Dasa
Classification: Uncertain significance for Intellectual developmental disorder, autosomal dominant 38. Last evaluated: 2025-06-21. Review status: criteria provided, single submitter. Criteria: DASA Assertion Criteria. Collection method: clinical testing. Allele origin: germline.
Comment: NM_001958.5(EEF1A2):c.1136T>C (p.Ile379Thr) is a missense variant that results in the substitution of isoleucine with threonine. The affected residue or protein region has prior evidence supporting clinical relevance. This variant has been reported in individuals with EEF1A2-related disorders. Also, this variant is rare in population databases. Computational prediction algorithms are consistent with a benign effect. The currently available literature and clinical evidence are not sufficient to establish a definitive association between this variant and the reported condition. Therefore, this variant is classified as a variant of uncertain significance.

Division Of Personalized Genomic Medicine, Columbia University Irving Medical Center
Classification: Likely pathogenic for Intellectual developmental disorder, autosomal dominant 38. Last evaluated: 2019-07-03. Review status: criteria provided, single submitter. Criteria: ACMG Guidelines, 2015. Collection method: clinical testing. Allele origin: de novo. Inheritance: Autosomal dominant inheritance. Affected: yes. Observed: 1 heterozygote.
Comment: The variant in the EEF1A2 gene is a heterozygous missense variant, which results in the substitution of the highly conserved isoleucine residue at the 379 position to threonine. This variant localizes to coding exon 7 of the EEF1A2 gene (8 coding exons in total; NM_001958.5). This variant it is predicted to be deleterious and damaging to protein structure and/or function by PROVEAN and SIFT respectively. It is therefore a de novo change. This variant has not been observed in the Genome Aggregation Database (gnomAD), indicating it is not a common benign variant in the populations represented in this database. To the best of our knowledge, this specific variant has not been described to be associated with disease. However, most disease associated mutations reported in this gene are missense variants. Based on the de novo, rare, missense change seen in a missense constrained gene, the c.1136T>C, p.Ile379Thr variant in EEF1A2 is classified as Likely Pathogenic.

Labcorp Genetics (formerly Invitae), Labcorp
Classification: Uncertain significance for Developmental and epileptic encephalopathy, 33. Last evaluated: 2019-06-12. Review status: criteria provided, single submitter. Criteria: Invitae Variant Classification Sherloc (09022015). Collection method: clinical testing. Allele origin: germline.
Comment: In summary, the available evidence is currently insufficient to determine the role of this variant in disease. Therefore, it has been classified as a Variant of Uncertain Significance. Algorithms developed to predict the effect of missense changes on protein structure and function are either unavailable or do not agree on the potential impact of this missense change (SIFT: "Deleterious"; PolyPhen-2: "Possibly Damaging"; Align-GVGD: "Class C0"). This variant has not been reported in the literature in individuals with EEF1A2-related conditions. This variant is not present in population databases (ExAC no frequency). This sequence change replaces isoleucine with threonine at codon 379 of the EEF1A2 protein (p.Ile379Thr). The isoleucine residue is highly conserved and there is a moderate physicochemical difference between isoleucine and threonine.